The following is an entry in ClinVar:

NM_001136472.2(LITAF):c.253A>G (p.Ile85Val)

Gene: LITAF (lipopolysaccharide induced TNF factor; minus strand). Cytogenetic location: 16p13.13.
Variant type: single nucleotide variant.
Coding change: c.253A>G on transcript NM_001136472.2 (MANE Select); coding-DNA position 253, A replaced by G.
Protein change: p.Ile85Val; replaces isoleucine 85 with valine.
Molecular consequence: missense variant. On other transcripts: non-coding transcript variant (1).
Genome position (GRCh38, 1-based): chr16:11,553,657, T>C on the plus strand (A>G on the coding strand, the complement: LITAF is on the minus strand). VCF-style: chr16-11553657-T-C. GRCh37 (hg19) VCF-style: chr16-11647513-T-C.
Other names: c.253A>G, p.Ile85Val (NM_001136473.1, NM_004862.4); short protein forms I85V.
Identifiers: ClinVar variation 3608502 (VCV003608502.2).
Genomic context (GRCh38, chr16:11,553,657, plus strand): 5'-TCACGATCATCTTGTTGCAGGAAGGACAACACATTTGGATAGGGCGGTCCAAAAAGGTGA[T>C]GGGGTGCTGCACGTAGACCGTCTGCACGGTAACTGATGAAAGGGAGAGGGACAAACACAG-3'
Protein context (NP_001129944.1, residues 75-95): TVQTVYVQHP[Ile85Val]TFLDRPIQMC

ClinVar aggregate classification (germline): Uncertain significance (1 of 4 stars; one submission).

Conditions:
Charcot-Marie-Tooth disease type 1C. Also called: CHARCOT-MARIE-TOOTH NEUROPATHY, TYPE 1C; NEUROPATHY, HEREDITARY MOTOR AND SENSORY, TYPE IC; CHARCOT-MARIE-TOOTH DISEASE, DEMYELINATING, TYPE 1C; CMT, SLOW NERVE CONDUCTION TYPE C; HMSN IC; Charcot-Marie-Tooth disease, type IC. Identifiers: Orphanet 101083, MedGen C0270913, MONDO:0010995, OMIM 601098.

gnomAD v4.1: 9 of 1,613,938 alleles (0.00056%); highest among the groups gnomAD compares: Non-Finnish European, 0.00034%; no homozygotes.

Submission:

Labcorp Genetics (formerly Invitae), Labcorp
Classification: Uncertain significance for Charcot-Marie-Tooth disease type 1C. Last evaluated: 2024-12-28. Review status: criteria provided, single submitter. Criteria: Invitae Variant Classification Sherloc (09022015). Collection method: clinical testing. Allele origin: germline.
Comment: This sequence change replaces isoleucine, which is neutral and non-polar, with valine, which is neutral and non-polar, at codon 85 of the LITAF protein (p.Ile85Val). This variant is present in population databases (rs775822499, gnomAD 0.01%). This variant has not been reported in the literature in individuals affected with LITAF-related conditions. An algorithm developed to predict the effect of missense changes on protein structure and function outputs the following: PolyPhen-2: "Benign". The valine amino acid residue is found in multiple mammalian species, which suggests that this missense change does not adversely affect protein function. In summary, the available evidence is currently insufficient to determine the role of this variant in disease. Therefore, it has been classified as a Variant of Uncertain Significance.